The following is an entry in ClinVar:

NM_000092.5(COL4A4):c.1605A>G (p.Glu535=)

Gene: COL4A4 (collagen type IV alpha 4 chain; minus strand). Cytogenetic location: 2q36.3.
Variant type: single nucleotide variant.
Coding change: c.1605A>G on transcript NM_000092.5 (MANE Select); coding-DNA position 1605, A replaced by G.
Protein change: p.Glu535=; no amino-acid change (glutamic acid 535 retained).
Molecular consequence: synonymous variant.
Genome position (GRCh38, 1-based): chr2:227,088,671, T>C on the plus strand (A>G on the coding strand, the complement: COL4A4 is on the minus strand). VCF-style: chr2-227088671-T-C. GRCh37 (hg19) VCF-style: chr2-227953387-T-C.
Identifiers: ClinVar variation 792557 (VCV000792557.9), dbSNP rs751190779, ClinGen allele CA2145122.
Genomic context (GRCh38, chr2:227,088,671, plus strand): 5'-TGTCTCTTTTAACTGGAAAGATGACTGGTAAGAGGTACTCACTGGTAGCCCTGGAGGTCC[T>C]TCAGCACCAGGAGGTCCTGGGTCACCTTTTGTTCCAAGCCAGCCAGGGAGCCCCAAGTCT-3'
Protein context (NP_000083.3, residues 525-545): TKGDPGPPGA[Glu535=]GPPGLPGKHG

ClinVar aggregate classification (germline): Conflicting classifications of pathogenicity. Review status: criteria provided, conflicting classifications (1 of 4 stars). 2 submissions from 2 submitters: Uncertain significance (1); Likely benign (1). Last evaluated 2025-07-29.

Allele frequency attached by ClinVar (database versions not stated): gnomAD exomes below 0.00001; ExAC 0.00001; gnomAD 0.00002; TOPMed 0.00004.
gnomAD v4.1: 3 of 1,614,060 alleles (0.00019%); highest among the groups gnomAD compares: African/African-American, 0.004%; no homozygotes.

Submissions (2):

GeneDx
Classification: Uncertain significance. Last evaluated: 2025-07-29. Review status: criteria provided, single submitter. Criteria: GeneDx Variant Classification Process June 2021. Collection method: clinical testing. Allele origin: germline. Affected: yes.
Comment: In silico analysis suggests that this variant does not alter splicing; Has not been previously published as pathogenic or benign to our knowledge

Labcorp Genetics (formerly Invitae), Labcorp
Classification: Likely benign. Last evaluated: 2023-11-07. Review status: criteria provided, single submitter. Criteria: Invitae Variant Classification Sherloc (09022015). Collection method: clinical testing. Allele origin: germline.